The following is an entry in ClinVar:

ClinVar aggregate classification (germline): Uncertain significance (1 of 4 stars; one submission).

Submission:

GeneDx
Classification: Uncertain significance. Last evaluated: 2022-09-10. Review status: criteria provided, single submitter. Criteria: GeneDx Variant Classification Process June 2021. Collection method: clinical testing. Allele origin: germline. Affected: yes.
Comment: Not observed at significant frequency in large population cohorts (gnomAD); In silico analysis supports that this missense variant does not alter protein structure/function; Has not been previously published as pathogenic or benign to our knowledge

NM_031407.7(HUWE1):c.2071C>G (p.Leu691Val)

Gene: HUWE1 (HECT, UBA and WWE domain containing E3 ubiquitin protein ligase 1; minus strand). Cytogenetic location: Xp11.22.
Variant type: single nucleotide variant.
Coding change: c.2071C>G on transcript NM_031407.7 (MANE Select); coding-DNA position 2071, C replaced by G.
Protein change: p.Leu691Val; replaces leucine 691 with valine.
Molecular consequence: missense variant.
Genome position (GRCh38, 1-based): chrX:53,614,724, G>C on the plus strand (C>G on the coding strand, the complement: HUWE1 is on the minus strand). VCF-style: chrX-53614724-G-C. GRCh37 (hg19) VCF-style: chrX-53641685-G-C.
Other names: short protein forms L691V.
Identifiers: ClinVar variation 2443414 (VCV002443414.1), dbSNP rs2527368238, ClinGen allele CA413146075.